The following is an entry in ClinVar:

ClinVar aggregate classification (germline): Likely pathogenic. Review status: criteria provided, multiple submitters, no conflicts (2 of 4 stars). 3 submissions from 3 submitters: Likely pathogenic (2). 1 of the submissions does not count toward it. Last evaluated 2024-05-18.

Conditions:
Autosomal recessive Alport syndrome (ATS2). Also called: ALPORT SYNDROME 2, AUTOSOMAL RECESSIVE; Alport syndrome type 2; COL4A3-Related Nephropathy; COL4A4 Alport Syndrome and Thin Basement Membrane Nephropathy. Identifiers: Orphanet 63, Orphanet 88919, MedGen C4746745, MONDO:0008762, OMIM 203780.
Hematuria, benign familial, 1 (BFH1). Also called: THIN MEMBRANE NEPHROPATHY. Identifiers: MedGen CN376803, MONDO:0007709, OMIM 141200.

Allele frequency attached by ClinVar (database versions not stated): gnomAD exomes below 0.00001.
gnomAD v4.1: 1 of 1,613,334 alleles (0.000062%); highest among the groups gnomAD compares: Non-Finnish European, 0.000085%; no homozygotes.

Submissions (3):

Fulgent Genetics
Classification: Likely pathogenic for Hematuria, benign familial, 1; Autosomal recessive Alport syndrome. Last evaluated: 2024-05-18. Review status: criteria provided, single submitter. Criteria: ACMG Guidelines, 2015. Collection method: clinical testing. Allele origin: germline.

Labcorp Genetics (formerly Invitae), Labcorp
Classification: Likely pathogenic. Last evaluated: 2023-07-19. Review status: criteria provided, single submitter. Criteria: Invitae Variant Classification Sherloc (09022015). Collection method: clinical testing. Allele origin: germline.
Comment: This variant has not been reported in the literature in individuals affected with COL4A4-related conditions. This variant is not present in population databases (gnomAD no frequency). This sequence change affects a donor splice site in intron 10 of the COL4A4 gene. It is expected to disrupt RNA splicing. Variants that disrupt the donor or acceptor splice site typically lead to a loss of protein function (PMID: 16199547), and loss-of-function variants in COL4A4 are known to be pathogenic (PMID: 21196518, 24854265, 25307543). ClinVar contains an entry for this variant (Variation ID: 554223). In summary, the currently available evidence indicates that the variant is pathogenic, but additional data are needed to prove that conclusively. Therefore, this variant has been classified as Likely Pathogenic. Algorithms developed to predict the effect of sequence changes on RNA splicing suggest that this variant may disrupt the consensus splice site.

Counsyl
Classification: Likely pathogenic for Autosomal recessive Alport syndrome. Last evaluated: 2017-10-02. Review status: no assertion criteria provided. Collection method: clinical testing. Allele origin: unknown. Not counted in ClinVar's aggregate classification.

Literature cited by the submitters: PubMed 16199547 (cited by Labcorp Genetics (formerly Invitae), Labcorp); PubMed 21196518 (cited by Labcorp Genetics (formerly Invitae), Labcorp); PubMed 24854265 (cited by Labcorp Genetics (formerly Invitae), Labcorp); PubMed 25307543 (cited by Labcorp Genetics (formerly Invitae), Labcorp).

NM_000092.5(COL4A4):c.657+1G>T

Gene: COL4A4 (collagen type IV alpha 4 chain; minus strand). Cytogenetic location: 2q36.3.
Variant type: single nucleotide variant.
Coding change: c.657+1G>T on transcript NM_000092.5 (MANE Select); the canonical splice donor site of the intron after coding-DNA position 657, G replaced by T.
Molecular consequence: splice donor variant.
Genome position (GRCh38, 1-based): chr2:227,109,223, C>A on the plus strand (G>T on the coding strand, the complement: COL4A4 is on the minus strand). VCF-style: chr2-227109223-C-A. GRCh37 (hg19) VCF-style: chr2-227973939-C-A.
Identifiers: ClinVar variation 554223 (VCV000554223.11), dbSNP rs1553688696, ClinGen allele CA350859702.